The following is an entry in ClinVar:

NM_020376.4(PNPLA2):c.649C>A (p.Arg217Ser)

Gene: PNPLA2 (patatin like domain 2, triacylglycerol lipase; plus strand). Cytogenetic location: 11p15.5.
Variant type: single nucleotide variant.
Coding change: c.649C>A on transcript NM_020376.4 (MANE Select); coding-DNA position 649, C replaced by A.
Protein change: p.Arg217Ser; replaces arginine 217 with serine.
Molecular consequence: missense variant.
Genome position (GRCh38, 1-based): chr11:822,559, C>A. VCF-style: chr11-822559-C-A. GRCh37 (hg19) VCF-style: chr11-822559-C-A.
Other names: short protein forms R217S.
Identifiers: ClinVar variation 1046704 (VCV001046704.8), dbSNP rs773938209, ClinGen allele CA378980482.

ClinVar aggregate classification (germline): Uncertain significance (1 of 4 stars; one submission).

Conditions:
Neutral lipid storage myopathy (NLSDM). Also called: NEUTRAL LIPID STORAGE DISEASE WITHOUT ICHTHYOSIS. Identifiers: Orphanet 98908, MedGen C1853136, MONDO:0012545, OMIM 610717.

Submission:

Labcorp Genetics (formerly Invitae), Labcorp
Classification: Uncertain significance for Neutral lipid storage myopathy. Last evaluated: 2022-11-18. Review status: criteria provided, single submitter. Criteria: Invitae Variant Classification Sherloc (09022015). Collection method: clinical testing. Allele origin: germline.
Comment: In summary, the available evidence is currently insufficient to determine the role of this variant in disease. Therefore, it has been classified as a Variant of Uncertain Significance. Advanced modeling of protein sequence and biophysical properties (such as structural, functional, and spatial information, amino acid conservation, physicochemical variation, residue mobility, and thermodynamic stability) performed at Invitae indicates that this missense variant is not expected to disrupt PNPLA2 protein function. ClinVar contains an entry for this variant (Variation ID: 1046704). This variant has not been reported in the literature in individuals affected with PNPLA2-related conditions. This variant is not present in population databases (gnomAD no frequency). This sequence change replaces arginine, which is basic and polar, with serine, which is neutral and polar, at codon 217 of the PNPLA2 protein (p.Arg217Ser).